The following is an entry in ClinVar:

NM_024685.4(BBS10):c.1169G>A (p.Cys390Tyr)

Gene: BBS10 (Bardet-Biedl syndrome 10; minus strand). Cytogenetic location: 12q21.2.
Variant type: single nucleotide variant.
Coding change: c.1169G>A on transcript NM_024685.4 (MANE Select); coding-DNA position 1169, G replaced by A.
Protein change: p.Cys390Tyr; replaces cysteine 390 with tyrosine.
Molecular consequence: missense variant.
Genome position (GRCh38, 1-based): chr12:76,346,816, C>T on the plus strand (G>A on the coding strand, the complement: BBS10 is on the minus strand). VCF-style: chr12-76346816-C-T. GRCh37 (hg19) VCF-style: chr12-76740596-C-T.
Other names: c.1169G>A (NM_024685.3); short protein forms C390Y.
Identifiers: ClinVar variation 4917627 (VCV004917627.2).

ClinVar aggregate classification (germline): Uncertain significance. Review status: criteria provided, multiple submitters, no conflicts (2 of 4 stars). 2 submissions from 2 submitters: Uncertain significance (2). Last evaluated 2026-09-08.

Conditions:
BBS10-related disorder. Also called: BBS10-related condition.

Submissions (2):

PreventionGenetics, part of Exact Sciences
Classification: Uncertain significance for BBS10-related condition. Last evaluated: 2026-09-08. Review status: criteria provided, single submitter. Criteria: ACMG Guidelines, 2015. Collection method: clinical testing. Allele origin: germline.
Comment: The BBS10 c.1169G>A variant is predicted to result in the amino acid substitution p.Cys390Tyr. To our knowledge, this variant has not been reported in the literature. This variant is reported in 0.010% of alleles in individuals of East Asian descent in gnomAD. At this time, the clinical significance of this variant is uncertain due to the absence of conclusive functional and genetic evidence.

Blueprint Genetics
Classification: Uncertain significance. Last evaluated: 2022-09-06. Review status: criteria provided, single submitter. Criteria: ACMG Guidelines, 2015. Collection method: clinical testing. Allele origin: germline.